The following is an entry in ClinVar:

ClinVar aggregate classification (germline): Conflicting classifications of pathogenicity. Review status: criteria provided, conflicting classifications (1 of 4 stars). 13 submissions from 9 submitters: Uncertain significance (9); Likely benign (2). 2 of the submissions do not count toward it. Last evaluated 2026-06-11.

Conditions:
Multiple endocrine neoplasia. Identifiers: Orphanet 276161, MedGen C0027662, MONDO:0017169.
Hereditary cancer-predisposing syndrome. Also called: Neoplastic Syndromes, Hereditary; Hereditary Cancer Syndrome; Tumor predisposition; Hereditary neoplastic syndrome. Identifiers: Orphanet 140162, MedGen C0027672, MeSH D009386, MONDO:0015356.
Multiple endocrine neoplasia, type 2 (MEN2). Identifiers: Orphanet 653, MedGen C4048306, MONDO:0019003. Disease mechanism: gain of function.
Multiple endocrine neoplasia type 2B. Also called: WAGENMANN-FROBOESE SYNDROME; MULTIPLE ENDOCRINE NEOPLASIA, TYPE III; Multiple endocrine neoplasia, type 3; MULTIPLE ENDOCRINE NEOPLASIA, TYPE IIB; MEN 2B; MEN IIB. Identifiers: Orphanet 247709, Orphanet 653, MedGen C0025269, MeSH D018814, MONDO:0008082, OMIM 162300.
Multiple endocrine neoplasia type 2A. Also called: MULTIPLE ENDOCRINE NEOPLASIA, TYPE IIA; PTC SYNDROME; SIPPLE SYNDROME; MEN 2A; MEN-2A syndrome; Pheochromocytoma and amyloid producing medullary thyroid carcinoma. Identifiers: Orphanet 247698, Orphanet 653, MedGen C0025268, MeSH D018813, MONDO:0008234, OMIM 171400.
Hirschsprung disease, susceptibility to, 1 (HSCR1). Also called: RET-Related Hirschsprung Disease. Identifiers: Orphanet 388, MedGen C3888239, MONDO:0007723, OMIM 142623.
Pheochromocytoma. Also called: MAX-Related Hereditary Paraganglioma-Pheochromocytoma Syndrome. Identifiers: Orphanet 29072, MedGen C0031511, MONDO:0008233, OMIM 171300, HP:0002666.
Renal hypodysplasia/aplasia 1 (RHDA1). Also called: RENAL APLASIA; HEREDITARY RENAL APLASIA. Identifiers: Orphanet 411709, MedGen C1619700, MONDO:0024519, OMIM 191830.

Allele frequency attached by ClinVar (database versions not stated): TOPMed 0.00001; gnomAD exomes 0.00002 and 0.00003; ExAC 0.00003; gnomAD 0.00003.
gnomAD v4.1: 28 of 1,613,680 alleles (0.0017%); highest among the groups gnomAD compares: Non-Finnish European, 0.0012%; no homozygotes.

Submissions (13):

Ambry Genetics
Classification: Likely benign for Hereditary cancer-predisposing syndrome. Last evaluated: 2026-06-11. Review status: criteria provided, single submitter. Criteria: Ambry Variant Classification Scheme 2023. Collection method: clinical testing. Allele origin: germline.

Labcorp Genetics (formerly Invitae), Labcorp
Classification: Uncertain significance for Multiple endocrine neoplasia, type 2. Last evaluated: 2026-01-10. Review status: criteria provided, single submitter. Criteria: Invitae Variant Classification Sherloc (09022015). Collection method: clinical testing. Allele origin: germline.
Comment: This sequence change replaces tryptophan, which is neutral and slightly polar, with cysteine, which is neutral and slightly polar, at codon 324 of the RET protein (p.Trp324Cys). This variant is present in population databases (rs758298916, gnomAD 0.06%). This missense change has been observed in individual(s) with Hirschsprung disease (PMID: 11955539). ClinVar contains an entry for this variant (Variation ID: 188078). An algorithm developed to predict the effect of missense changes on protein structure and function (PolyPhen-2) suggests that this variant is likely to be disruptive. In summary, the available evidence is currently insufficient to determine the role of this variant in disease. Therefore, it has been classified as a Variant of Uncertain Significance.

Quest Diagnostics Nichols Institute San Juan Capistrano
Classification: Uncertain significance. Last evaluated: 2025-07-24. Review status: criteria provided, single submitter. Criteria: Quest Diagnostics criteria. Collection method: clinical testing. Allele origin: unknown.

Color Diagnostics, LLC DBA Color Health
Classification: Uncertain significance for Multiple endocrine neoplasia, type 2. Last evaluated: 2025-06-10. Review status: criteria provided, single submitter. Criteria: ACMG Guidelines, 2015. Collection method: clinical testing. Allele origin: germline.
Comment: This missense variant replaces tryptophan with cysteine at codon 324 of the RET protein. Computational prediction is inconclusive regarding the impact of this variant on protein structure and function. To our knowledge, functional studies have not been reported for this variant. This variant has been reported in an individual affected with Hirschsprung disease (PMID: 11955539) and an individual affected with pulmonary paraganglioma (PMID: 32551175). This variant has been identified in 9/280190 chromosomes in the general population by the Genome Aggregation Database (gnomAD). The available evidence is insufficient to determine the role of this variant in disease conclusively. Therefore, this variant is classified as a Variant of Uncertain Significance.

GeneDx
Classification: Uncertain significance. Last evaluated: 2024-06-06. Review status: criteria provided, single submitter. Criteria: GeneDx Variant Classification Process June 2021. Collection method: clinical testing. Allele origin: germline. Affected: yes.
Comment: In silico analysis supports that this missense variant has a deleterious effect on protein structure/function; Observed in an individual with Hirschsprung disease (PMID: 11955539); This variant is associated with the following publications: (PMID: 15956201, 16732321, 14633923, 11955539)

Baylor Genetics
Classification: Uncertain significance for Hirschsprung disease, susceptibility to, 1. Last evaluated: 2024-03-13. Review status: criteria provided, single submitter. Criteria: ACMG Guidelines, 2015. Collection method: clinical testing. Allele origin: unknown.

Myriad Genetics, Inc.
Classification: Uncertain significance for Multiple endocrine neoplasia type 2A. Last evaluated: 2023-04-18. Review status: criteria provided, single submitter. Criteria: Myriad Autosomal Dominant, Autosomal Recessive and X-Linked Classification Criteria (2023). Collection method: clinical testing. Allele origin: unknown.
Comment: This variant is classified as a variant of uncertain significance as there is insufficient evidence to determine its impact on protein function and/or cancer risk.

Illumina Laboratory Services, Illumina
Classification: Likely benign for Multiple endocrine neoplasia. Last evaluated: 2017-04-28. Review status: criteria provided, single submitter. Criteria: ICSL Variant Classification Criteria 13 December 2019. Collection method: clinical testing. Allele origin: germline.
Comment: This variant was observed as part of a predisposition screen in an ostensibly healthy population. A literature search was performed for the gene, cDNA change, and amino acid change (where applicable). No publications were found based on this search. Allele frequency data from public databases allowed determination this variant is unlikely to cause disease. Therefore, this variant is classified as likely benign.

Illumina Laboratory Services, Illumina
Classification: Uncertain significance for Renal hypodysplasia/aplasia 1. Last evaluated: 2017-04-28. Review status: criteria provided, single submitter. Criteria: ICSL Variant Classification Criteria 13 December 2019. Collection method: clinical testing. Allele origin: germline.

Illumina Laboratory Services, Illumina
Classification: Uncertain significance for Hirschsprung disease, susceptibility to, 1. Last evaluated: 2017-04-28. Review status: criteria provided, single submitter. Criteria: ICSL Variant Classification Criteria 13 December 2019. Collection method: clinical testing. Allele origin: germline.
Comment: This variant was observed as part of a predisposition screen in an ostensibly healthy population. A literature search was performed for the gene, cDNA change, and amino acid change (where applicable). Publications were found based on this search. However, the evidence from the literature, in combination with allele frequency data from public databases where available, was not sufficient to rule this variant in or out of causing disease. Therefore, this variant is classified as a variant of unknown significance.

Illumina Laboratory Services, Illumina
Classification: Uncertain significance for Pheochromocytoma. Last evaluated: 2017-04-28. Review status: criteria provided, single submitter. Criteria: ICSL Variant Classification Criteria 13 December 2019. Collection method: clinical testing. Allele origin: germline.

Counsyl
Classification: Uncertain significance for Multiple endocrine neoplasia type 2B. Last evaluated: 2016-10-27. Review status: no assertion criteria provided. Collection method: clinical testing. Allele origin: unknown. Not counted in ClinVar's aggregate classification.

Counsyl
Classification: Uncertain significance for Multiple endocrine neoplasia type 2A. Last evaluated: 2016-10-27. Review status: no assertion criteria provided. Collection method: clinical testing. Allele origin: unknown. Not counted in ClinVar's aggregate classification.

Literature cited by the submitters: PubMed 11955539 (cited by 5 submitters); PubMed 32551175 (cited by Color Diagnostics, LLC DBA Color Health).

NM_020975.6(RET):c.972G>C (p.Trp324Cys)

Gene: RET (ret proto-oncogene; plus strand). Cytogenetic location: 10q11.21.
Variant type: single nucleotide variant.
Coding change: c.972G>C on transcript NM_020975.6 (MANE Select); coding-DNA position 972, G replaced by C.
Protein change: p.Trp324Cys; replaces tryptophan 324 with cysteine.
Molecular consequence: missense variant.
Genome position (GRCh38, 1-based): chr10:43,106,480, G>C. VCF-style: chr10-43106480-G-C. GRCh37 (hg19) VCF-style: chr10-43601928-G-C.
Other names: c.972G>C, p.Trp324Cys (NM_000323.2, NM_001406743.1, NM_001406744.1 and 6 more transcripts); c.210G>C, p.Trp70Cys (NM_001355216.2); c.843G>C, p.Trp281Cys (NM_001406761.1, NM_001406762.1, NM_001406764.1 and 1 more transcripts); c.684G>C, p.Trp228Cys (NM_001406766.1, NM_001406767.1, NM_001406770.1); short protein forms W324C, W70C, W281C, W228C.
Identifiers: ClinVar variation 188078 (VCV000188078.39), dbSNP rs758298916, ClinGen allele CA009409.